The following is an entry in ClinVar:

ClinVar aggregate classification (germline): Pathogenic/Likely pathogenic. Review status: criteria provided, multiple submitters, no conflicts (2 of 4 stars). 7 submissions from 7 submitters: Pathogenic (1); Likely pathogenic (5). 1 of the submissions does not count toward it. Last evaluated 2025-01-01.

Conditions:
CHD3-related disorders.
Inborn genetic diseases. Identifiers: MedGen C0950123, MeSH D030342.
Snijders Blok-Campeau syndrome. Also called: INTELLECTUAL DEVELOPMENTAL DISORDER WITH MACROCEPHALY, SPEECH DELAY, AND DYSMORPHIC FACIES. Identifiers: Orphanet 599082, MedGen C4748701, MONDO:0032600, OMIM 618205.
Intellectual disability. Also called: Intellectual developmental disorder; intellectual disabilities; Intellectual functioning disability. Identifiers: HP:0002122, MedGen C3714756, MeSH D008607, MONDO:0001071.

Allele frequency attached by ClinVar (database versions not stated): gnomAD exomes below 0.00001.
gnomAD v4.1: 1 of 1,614,092 alleles (0.000062%); highest among the groups gnomAD compares: Non-Finnish European, 0.000085%; no homozygotes.

Submissions (8):

Center of Human Genetics, Hôpital Erasme
Classification: Likely pathogenic for Snijders Blok-Campeau syndrome. Last evaluated: 2025-01-01. Review status: criteria provided, single submitter. Criteria: ACMG Guidelines, 2015. Collection method: clinical testing. Allele origin: de novo. Affected: yes.

Ambry Genetics
Classification: Pathogenic for Inborn genetic diseases. Last evaluated: 2024-05-01. Review status: criteria provided, single submitter. Criteria: Ambry Variant Classification Scheme 2023. Collection method: clinical testing. Allele origin: germline.
Comment: The c.4202G>A (p.R1401Q) alteration is located in coding exon 25 of the CHD3 gene. This alteration results from a G to A substitution at nucleotide position 4202, causing the arginine (R) at amino acid position 1401 to be replaced by a glutamine (Q). This variant was not reported in population-based cohorts in the Genome Aggregation Database (gnomAD). This variant has been detected de novo in two individuals and inherited in one individual with developmental delays, abnormal brain MRI, poor coordination, and other clinical features consistent with Snijders Blok-Campeau syndrome (Snijders Blok, 2018; van der Spek, 2022; Ambry internal data). Of note, this variant has been referred to as c.4025G>A (p.R1342Q) in the literature. This amino acid position is highly conserved in available vertebrate species. This alteration is predicted to be deleterious by in silico analysis. Based on the available evidence, this alteration is classified as pathogenic.

Blueprint Genetics
Classification: Likely pathogenic for CHD3-related disorders. Last evaluated: 2023-07-03. Review status: criteria provided, single submitter. Criteria: ACMG Guidelines, 2015. Collection method: clinical testing. Allele origin: germline. Affected: yes. Observed: 2 variant alleles.

Institute for Clinical Genetics, University Hospital TU Dresden, University Hospital TU Dresden
Classification: Likely pathogenic. Last evaluated: 2023-02-15. Review status: criteria provided, single submitter. Criteria: ACMG Guidelines, 2015. Collection method: clinical testing. Allele origin: germline.
Comment: PS4, PP3, PM2_SUP, PP2

Institute of Human Genetics Munich, TUM University Hospital
Classification: Likely pathogenic for Snijders Blok-Campeau syndrome. Last evaluated: 2020-11-26. Review status: criteria provided, single submitter. Criteria: Classification criteria August 2017. Collection method: clinical testing. Allele origin: paternal. Inheritance: Autosomal dominant inheritance. Affected: yes. Observed: 1 variant allele.

SIB Swiss Institute of Bioinformatics
Classification: Likely pathogenic for Snijders Blok-Campeau syndrome. Last evaluated: 2019-02-19. Review status: criteria provided, single submitter. Criteria: ACMG Guidelines, 2015. Collection method: curation. Allele origin: unknown.
Comment: This variant is interpreted as a Likely pathogenic for Snijders Blok-Campeau syndrome, autosomal dominant. The following ACMG Tag(s) were applied: PM2 : Absent from controls (or at extremely low frequency if recessive) in Exome Sequencing Project, 1000 Genomes Project, or Exome Aggregation Consortium. PM6 : Assumed de novo, but without confirmation of paternity and maternity (PMID:30397230). PP2 : Missense variant in a gene that has a low rate of benign missense variation and in which missense variants are a common mechanism of disease. PP3 : Multiple lines of computational evidence support a deleterious effect on the gene or gene product.

CHU Sainte-Justine Research Center, University of Montreal
Classification: Likely pathogenic for Intellectual disability. Last evaluated: 2018-05-03. Review status: no assertion criteria provided. Collection method: research. Allele origin: germline. Affected: yes. Not counted in ClinVar's aggregate classification.

Dr. Peter K. Rogan Lab, Western University
No classification provided (evidence only). Condition: Cervical cancer. Review status: no classification provided. Collection method: in vitro. Allele origin: not applicable. Functional consequence: retained intron. Not counted in ClinVar's aggregate classification.

Literature cited by the submitters: PubMed 30397230 (cited by Ambry Genetics and SIB Swiss Institute of Bioinformatics); PubMed 35346573 (cited by Ambry Genetics).

NM_001005273.3(CHD3):c.4025G>A (p.Arg1342Gln)

Gene: CHD3 (chromodomain helicase DNA binding protein 3; plus strand). Cytogenetic location: 17p13.1.
Variant type: single nucleotide variant.
Coding change: c.4025G>A on transcript NM_001005273.3 (MANE Select); coding-DNA position 4025, G replaced by A.
Protein change: p.Arg1342Gln; replaces arginine 1342 with glutamine.
Molecular consequence: missense variant.
Genome position (GRCh38, 1-based): chr17:7,904,572, G>A. VCF-style: chr17-7904572-G-A. GRCh37 (hg19) VCF-style: chr17-7807890-G-A.
Other names: NC_000017.10:g.7807890G>A; c.4202G>A, p.Arg1401Gln (NM_001005271.3); c.4025G>A, p.Arg1342Gln (NM_005852.4); short protein forms R1342Q, R1401Q.
Identifiers: ClinVar variation 549746 (VCV000549746.13), dbSNP rs1567863732, ClinGen allele CA397944492.